The following is an entry in ClinVar:

NM_005198.5(CHKB):c.305T>C (p.Leu102Pro)

Genes: CHKB-CPT1B (CHKB-CPT1B readthrough (NMD candidate); minus strand), CHKB (choline kinase beta; minus strand). Cytogenetic location: 22q13.33.
Variant type: single nucleotide variant.
Coding change: c.305T>C on transcript NM_005198.5 (MANE Select); coding-DNA position 305, T replaced by C.
Protein change: p.Leu102Pro; replaces leucine 102 with proline.
Molecular consequence: missense variant. On other transcripts: non-coding transcript variant (1).
Genome position (GRCh38, 1-based): chr22:50,582,277, A>G on the plus strand (T>C on the coding strand, the complement: CHKB is on the minus strand). VCF-style: chr22-50582277-A-G. GRCh37 (hg19) VCF-style: chr22-51020706-A-G.
Other names: short protein forms L102P.
Identifiers: ClinVar variation 930888 (VCV000930888.3), dbSNP rs2070709347, ClinGen allele CA412202336.
Genomic context (GRCh38, chr22:50,582,277, plus strand): 5'-CACTGGTGCTGCGGCGCTCACACCCCCCTCACCTGCAAGATGGCTCCGTACAGCCGCAGA[A>G]GCACCTCCCGGGGCTCCTCGCCAACGCTGGGCAGGTGGTCCGGGAGCGAGCAGCGGAAGA-3'
Protein context (NP_005189.2, residues 92-112): PSVGEEPREV[Leu102Pro]LRLYGAILQG

ClinVar aggregate classification (germline): Uncertain significance (1 of 4 stars; one submission).

Conditions:
Megaconial type congenital muscular dystrophy (MDCMC). Also called: CHKB-Related Muscle Diseases; MUSCULAR DYSTROPHY, CONGENITAL, WITH MITOCHONDRIAL STRUCTURAL ABNORMALITIES; CHKB-Related Muscular Dystrophy. Identifiers: Orphanet 280671, MedGen C1865233, MONDO:0011246, OMIM 602541.

Allele frequency attached by ClinVar (database versions not stated): gnomAD exomes below 0.00001.

Submission:

Centre for Mendelian Genomics, University Medical Centre Ljubljana
Classification: Uncertain significance for Megaconial type congenital muscular dystrophy. Last evaluated: 2018-10-12. Review status: criteria provided, single submitter. Criteria: ACMG Guidelines, 2015. Collection method: clinical testing. Allele origin: unknown. Affected: yes.
Comment: This variant was classified as: Uncertain significance. The available evidence on this variant's pathogenicity is insufficient or conflicting. The following ACMG criteria were applied in classifying this variant: PM2,PP3.